The following is an entry in ClinVar:

ClinVar aggregate classification (germline): Uncertain significance (1 of 4 stars; one submission).

Submission:

Labcorp Genetics (formerly Invitae), Labcorp
Classification: Uncertain significance. Last evaluated: 2025-04-17. Review status: criteria provided, single submitter. Criteria: Invitae Variant Classification Sherloc (09022015). Collection method: clinical testing. Allele origin: germline.
Comment: This sequence change replaces glycine, which is neutral and non-polar, with valine, which is neutral and non-polar, at codon 449 of the FLI1 protein (p.Gly449Val). This variant is not present in population databases (gnomAD no frequency). This variant has not been reported in the literature in individuals affected with FLI1-related conditions. Invitae Evidence Modeling of protein sequence and biophysical properties (such as structural, functional, and spatial information, amino acid conservation, physicochemical variation, residue mobility, and thermodynamic stability) indicates that this missense variant is not expected to disrupt FLI1 protein function with a negative predictive value of 80%. In summary, the available evidence is currently insufficient to determine the role of this variant in disease. Therefore, it has been classified as a Variant of Uncertain Significance.

NM_002017.5(FLI1):c.1346G>T (p.Gly449Val)

Gene: FLI1 (Fli-1 proto-oncogene, ETS transcription factor; plus strand). Cytogenetic location: 11q24.3.
Variant type: single nucleotide variant.
Coding change: c.1346G>T on transcript NM_002017.5 (MANE Select); coding-DNA position 1346, G replaced by T.
Protein change: p.Gly449Val; replaces glycine 449 with valine.
Molecular consequence: missense variant.
Genome position (GRCh38, 1-based): chr11:128,810,975, G>T. VCF-style: chr11-128810975-G-T. GRCh37 (hg19) VCF-style: chr11-128680870-G-T.
Other names: c.1247G>T, p.Gly416Val (NM_001167681.3, NM_001440369.1, NM_001440370.1 and 1 more transcripts); c.1148G>T, p.Gly383Val (NM_001271010.2); c.767G>T, p.Gly256Val (NM_001271012.2); c.1220G>T, p.Gly407Val (NM_001440372.1); short protein forms G383V, G416V, G407V, G256V, G449V.
Identifiers: ClinVar variation 4771058 (VCV004771058.1).